The following is an entry in ClinVar:

NM_018006.5(TRMU):c.824_825dup (p.Pro276fs)

Gene: TRMU (tRNA mitochondrial 2-thiouridylase; plus strand). Cytogenetic location: 22q13.31.
Variant type: Microsatellite.
Coding change: c.824_825dup on transcript NM_018006.5 (MANE Select); coding-DNA positions 824 to 825, 2 bases duplicated (AG; older notation c.824_825dupAG).
Protein change: p.Pro276fs; shifts the reading frame from proline 276.
Molecular consequence: frameshift variant. On other transcripts: non-coding transcript variant (2).
Genome position (GRCh38, 1-based): chr22:46,353,818-46,353,819, AG duplicated; duplicating any 2 consecutive bases within chr22:46,353,813-46,353,819 gives the same sequence; the c. name uses the placement nearest the transcript's 3' end. VCF-style (leftmost placement, unchanged base first): chr22-46353812-T-TGA. GRCh37 (hg19) VCF-style: chr22-46749709-T-TGA.
Other names: c.482_483dup, p.Pro162fs (NM_001282782.2); c.404_405dup, p.Pro136fs (NM_001282783.2, NM_001282784.2); c.824_825dup, p.Pro276fs (NM_001282785.2); c.824_825dupAG (NM_018006.4); short protein forms P162fs, P276fs, P136fs.
Identifiers: ClinVar variation 970256 (VCV000970256.9), dbSNP rs1191230933, ClinGen allele CA639645389.

ClinVar aggregate classification (germline): Pathogenic/Likely pathogenic. Review status: criteria provided, multiple submitters, no conflicts (2 of 4 stars). 3 submissions from 3 submitters: Pathogenic (1); Likely pathogenic (2). Last evaluated 2024-11-26.

Conditions:
Acute infantile liver failure due to synthesis defect of mtDNA-encoded proteins. Also called: LIVER FAILURE, INFANTILE, TRANSIENT; Liver failure acute infantile; TRMU Deficiency. Identifiers: Orphanet 217371, MedGen C3278664, MONDO:0013111, OMIM 613070.
Aminoglycoside-induced deafness. Also called: STREPTOMYCIN OTOTOXICITY; DEAFNESS, STREPTOMYCIN-INDUCED; MT-RNR1-Related Hearing Loss and Deafness. Identifiers: Orphanet 168609, MedGen C1838854, MONDO:0010799, OMIM 580000.

Submissions (3):

Natera, Inc.
Classification: Likely pathogenic for Acute infantile liver failure due to synthesis defect of mtDNA-encoded proteins. Last evaluated: 2024-11-26. Review status: criteria provided, single submitter. Criteria: Natera Variant Classification Schema (03/2026). Collection method: clinical testing. Allele origin: germline.
Comment: The c.824_825dupAG variant in TRMU is a frameshift variant predicted to shift the reading frame beginning at codon 276 and leads to a stop codon 31 codons downstream. This variant is expected to result in nonsense mediated decay, truncation, or a dysfunctional protein product. This variant is rare in the general population with a frequency below the threshold expected for the associated phenotype(s). Given the available evidence, this variant is classified as Likely Pathogenic.

Labcorp Genetics (formerly Invitae), Labcorp
Classification: Pathogenic. Last evaluated: 2023-10-13. Review status: criteria provided, single submitter. Criteria: Invitae Variant Classification Sherloc (09022015). Collection method: clinical testing. Allele origin: germline.
Comment: This sequence change creates a premature translational stop signal (p.Pro276Serfs*31) in the TRMU gene. It is expected to result in an absent or disrupted protein product. Loss-of-function variants in TRMU are known to be pathogenic (PMID: 19732863, 23625533). This variant is present in population databases (no rsID available, gnomAD 0.003%). This variant has not been reported in the literature in individuals affected with TRMU-related conditions. ClinVar contains an entry for this variant (Variation ID: 970256). For these reasons, this variant has been classified as Pathogenic.

Baylor Genetics
Classification: Likely pathogenic for Aminoglycoside-induced deafness. Last evaluated: 2023-05-24. Review status: criteria provided, single submitter. Criteria: ACMG Guidelines, 2015. Collection method: clinical testing. Allele origin: unknown.

Literature cited by the submitters: PubMed 19732863 (cited by Labcorp Genetics (formerly Invitae), Labcorp); PubMed 23625533 (cited by Labcorp Genetics (formerly Invitae), Labcorp).